The following is an entry in ClinVar:

ClinVar aggregate classification (germline): Benign (1 of 4 stars; one submission).

Allele frequency attached by ClinVar (database versions not stated): gnomAD exomes 0.10788; 1000 Genomes Project 0.16653; 1000 Genomes Project 30x 0.16833; gnomAD 0.16923 and 0.17400; TOPMed 0.17478.
gnomAD v4.1: 93,290 of 775,740 alleles (12%); highest among the groups gnomAD compares: African/African-American, 31%; 7,094 homozygotes.

Submission:

GeneDx
Classification: Benign. Last evaluated: 2018-06-19. Review status: criteria provided, single submitter. Criteria: GeneDx Variant Classification (06012015). Collection method: clinical testing. Allele origin: germline. Affected: yes.
Comment: This variant is considered likely benign or benign based on one or more of the following criteria: it is a conservative change, it occurs at a poorly conserved position in the protein, it is predicted to be benign by multiple in silico algorithms, and/or has population frequency not consistent with disease.

NM_001384732.1(CPLANE1):c.6462+149C>T

Gene: CPLANE1 (ciliogenesis and planar polarity effector complex subunit 1; minus strand). Cytogenetic location: 5p13.2.
Variant type: single nucleotide variant.
Coding change: c.6462+149C>T on transcript NM_001384732.1 (MANE Select); 149 bases into the intron after coding-DNA position 6462, C replaced by T.
Molecular consequence: intron variant.
Genome position (GRCh38, 1-based): chr5:37,169,892, G>A on the plus strand (C>T on the coding strand, the complement: CPLANE1 is on the minus strand). VCF-style: chr5-37169892-G-A. GRCh37 (hg19) VCF-style: chr5-37169994-G-A.
Other names: c.6462+149C>T (NM_023073.4).
Identifiers: ClinVar variation 680160 (VCV000680160.1), dbSNP rs111536446, ClinGen allele CA12024612.